The following is an entry in ClinVar:

ClinVar aggregate classification (germline): Conflicting classifications of pathogenicity. Review status: criteria provided, conflicting classifications (1 of 4 stars). 2 submissions from 2 submitters: Uncertain significance (1); Likely benign (1). Last evaluated 2026-01-19.

Conditions:
Cardiovascular phenotype. Identifiers: MedGen CN230736.

Allele frequency attached by ClinVar (database versions not stated): TOPMed below 0.00001; gnomAD exomes 0.00002; gnomAD 0.00003; 1000 Genomes Project 30x 0.00016; ExAC 0.00016; 1000 Genomes Project 0.00020.
gnomAD v4.1: 36 of 1,550,176 alleles (0.0023%); highest among the groups gnomAD compares: South Asian, 0.038%; no homozygotes.

Submissions (2):

Women's Health and Genetics/Laboratory Corporation of America, LabCorp
Classification: Uncertain significance. Last evaluated: 2026-01-19. Review status: criteria provided, single submitter. Criteria: LabCorp Variant Classification Summary - May 2015. Collection method: clinical testing. Allele origin: germline.
Comment: Variant summary: ZNF469 c.7961A>T (p.Asp2654Val) results in a non-conservative amino acid change in the encoded protein sequence. Algorithms developed to predict the effect of missense changes on protein structure and function are either unavailable or do not agree on the potential impact of this missense change. The variant allele was found at a frequency of 8.5e-05 in 153522 control chromosomes. This frequency is not significantly higher than estimated for disease-causing variants in ZNF469, allowing no conclusion about variant significance. To our knowledge, no occurrence of c.7961A>T in individuals affected with ZNF469-related conditions and no experimental evidence demonstrating its impact on protein function have been reported. ClinVar contains an entry for this variant (Variation ID: 2291858). Based on the evidence outlined above, the variant was classified as uncertain significance.

Ambry Genetics
Classification: Likely benign for Cardiovascular phenotype. Last evaluated: 2023-07-31. Review status: criteria provided, single submitter. Criteria: Ambry Variant Classification Scheme 2023. Collection method: clinical testing. Allele origin: germline.

NM_001367624.2(ZNF469):c.7961A>T (p.Asp2654Val)

Gene: ZNF469 (zinc finger protein 469; plus strand). Cytogenetic location: 16q24.2.
Variant type: single nucleotide variant.
Coding change: c.7961A>T on transcript NM_001367624.2 (MANE Select); coding-DNA position 7961, A replaced by T.
Protein change: p.Asp2654Val; replaces aspartic acid 2654 with valine.
Molecular consequence: missense variant.
Genome position (GRCh38, 1-based): chr16:88,435,431, A>T. VCF-style: chr16-88435431-A-T. GRCh37 (hg19) VCF-style: chr16-88501839-A-T.
Other names: NM_001127464.1:c.7877A>T; short protein forms D2654V.
Identifiers: ClinVar variation 2291858 (VCV002291858.3), dbSNP rs550109690, ClinGen allele CA8225296.